The following is an entry in ClinVar:

NM_001127511.3(APC):c.149G>C (p.Trp50Ser)

Gene: APC (APC regulator of Wnt signaling pathway; plus strand). Cytogenetic location: 5q22.2.
Variant type: single nucleotide variant.
Coding change: c.149G>C on transcript NM_001127511.3; coding-DNA position 149, G replaced by C.
Protein change: p.Trp50Ser; replaces tryptophan 50 with serine.
Molecular consequence: missense variant. On other transcripts: 5 prime UTR variant (8), non-coding transcript variant (1), intron variant (5).
Genome position (GRCh38, 1-based): chr5:112,707,866, G>C. VCF-style: chr5-112707866-G-C. GRCh37 (hg19) VCF-style: chr5-112043563-G-C.
Other names: c.-35G>C (NM_001354895.2, NM_001407447.1, NM_001407452.1 and 3 more transcripts); c.149G>C, p.Trp50Ser (NM_001354897.2, NM_001354902.2, NM_001407446.1); c.-1070G>C (NM_001407470.1, NM_001407472.1); c.-19+217G>C (NM_001407448.1, NM_001407450.1, NM_001407457.1 and 1 more transcripts); c.-43+217G>C (NM_001407453.1); short protein forms W50S.
Identifiers: ClinVar variation 548731 (VCV000548731.9), dbSNP rs1366978080, ClinGen allele CA360612166.

ClinVar aggregate classification (germline): Uncertain significance. Review status: criteria provided, single submitter (1 of 4 stars). 2 submissions from 2 submitters: Uncertain significance (1). 1 of the submissions does not count toward it. Last evaluated 2024-12-03.

Conditions:
Familial adenomatous polyposis 1 (FAP1). Also called: FAMILIAL ADENOMATOUS POLYPOSIS 1, ATTENUATED; POLYPOSIS, ADENOMATOUS INTESTINAL. Identifiers: MedGen C2713442, MONDO:0021056, OMIM 175100. Disease mechanism: loss of function.

Allele frequency attached by ClinVar (database versions not stated): gnomAD exomes 0.00001; TOPMed 0.00001.
gnomAD v4.1: 2 of 1,369,636 alleles (0.00015%); no homozygotes.

Submissions (2):

Labcorp Genetics (formerly Invitae), Labcorp
Classification: Uncertain significance for Familial adenomatous polyposis 1. Last evaluated: 2024-12-03. Review status: criteria provided, single submitter. Criteria: Invitae Variant Classification Sherloc (09022015). Collection method: clinical testing. Allele origin: germline.
Comment: This variant occurs in a non-coding region of the APC gene. It does not change the encoded amino acid sequence of the APC protein. This variant is present in population databases (no rsID available, gnomAD 0.01%). This variant has not been reported in the literature in individuals affected with APC-related conditions. ClinVar contains an entry for this variant (Variation ID: 548731). Experimental studies and prediction algorithms are not available or were not evaluated, and the functional significance of this variant is currently unknown. In summary, the available evidence is currently insufficient to determine the role of this variant in disease. Therefore, it has been classified as a Variant of Uncertain Significance.

Counsyl
Classification: Uncertain significance for Familial adenomatous polyposis 1. Last evaluated: 2017-10-09. Review status: no assertion criteria provided. Collection method: clinical testing. Allele origin: unknown. Not counted in ClinVar's aggregate classification.